The following is an entry in ClinVar:

ClinVar aggregate classification (germline): Uncertain significance (1 of 4 stars; one submission).

Conditions:
Early Myoclonic Encephalopathy. Identifiers: MedGen C0270855.

Allele frequency attached by ClinVar (database versions not stated): TOPMed 0.00005; gnomAD exomes 0.00010 and 0.00016; ExAC 0.00026; gnomAD 0.00012 and 0.00011.
gnomAD v4.1: 172 of 1,613,366 alleles (0.011%); highest among the groups gnomAD compares: Non-Finnish European, 0.0089%; 1 homozygote.

Submission:

Labcorp Genetics (formerly Invitae), Labcorp
Classification: Uncertain significance for Early Myoclonic Encephalopathy. Last evaluated: 2025-11-05. Review status: criteria provided, single submitter. Criteria: Invitae Variant Classification Sherloc (09022015). Collection method: clinical testing. Allele origin: germline.
Comment: This sequence change replaces histidine, which is basic and polar, with tyrosine, which is neutral and polar, at codon 463 of the JMJD1C protein (p.His463Tyr). This variant is present in population databases (rs61757562, gnomAD 0.06%), and has an allele count higher than expected for a pathogenic variant. This variant has not been reported in the literature in individuals affected with JMJD1C-related conditions. ClinVar contains an entry for this variant (Variation ID: 460215). An algorithm developed to predict the effect of missense changes on protein structure and function (PolyPhen-2) suggests that this variant is likely to be tolerated. In summary, the available evidence is currently insufficient to determine the role of this variant in disease. Therefore, it has been classified as a Variant of Uncertain Significance.

NM_032776.3(JMJD1C):c.1387C>T (p.His463Tyr)

Gene: JMJD1C (jumonji domain containing 1C; minus strand). Cytogenetic location: 10q21.3.
Variant type: single nucleotide variant.
Coding change: c.1387C>T on transcript NM_032776.3 (MANE Select); coding-DNA position 1387, C replaced by T.
Protein change: p.His463Tyr; replaces histidine 463 with tyrosine.
Molecular consequence: missense variant. On other transcripts: non-coding transcript variant (1).
Genome position (GRCh38, 1-based): chr10:63,214,780, G>A on the plus strand (C>T on the coding strand, the complement: JMJD1C is on the minus strand). VCF-style: chr10-63214780-G-A. GRCh37 (hg19) VCF-style: chr10-64974540-G-A.
Other names: c.841C>T, p.His281Tyr (NM_001282948.2, NM_001318154.2); c.523C>T, p.His175Tyr (NM_001318153.2); c.1273C>T, p.His425Tyr (NM_001322252.2); c.730C>T, p.His244Tyr (NM_001322254.2, NM_001322258.2); short protein forms H463Y, H175Y, H244Y, H281Y, H425Y.
Identifiers: ClinVar variation 460215 (VCV000460215.10), dbSNP rs61757562, ClinGen allele CA5518815.
Genomic context (GRCh38, chr10:63,214,780, plus strand): 5'-ATTCCTGAGGAAGTAAATCATTAGAATTATGATCAGAAACTGTGGACTGTTCTGACGAAT[G>A]AATAATCATATCTTCTTGAAGCTGAGTGTCAACAGACTTCCGCTTCTCTGCTTCTTCATG-3'
Protein context (NP_116165.1, residues 453-473): DTQLQEDMII[His463Tyr]SSEQSTVSDH